The following is an entry in ClinVar:

ClinVar aggregate classification (germline): Uncertain significance (1 of 4 stars; one submission).

Conditions:
Autosomal dominant osteopetrosis 1 (OPTA1). Also called: OSTEOPETROSIS, AUTOSOMAL DOMINANT, TYPE I. Identifiers: Orphanet 2783, MedGen C1843330, MONDO:0011877, OMIM 607634.
Osteoporosis with pseudoglioma (OPPG). Also called: osteoporosis-pseudoglioma syndrome. Identifiers: Orphanet 2788, MedGen C0432252, MONDO:0009820, OMIM 259770.
Worth disease. Also called: OSTEOSCLEROSIS, AUTOSOMAL DOMINANT; Autosomal dominant osteosclerosis, Worth type; ENDOSTEAL HYPEROSTOSIS, AUTOSOMAL DOMINANT. Identifiers: Orphanet 2790, MedGen C0432273, MONDO:0007764, OMIM 144750.
Exudative vitreoretinopathy 4 (EVR4). Identifiers: Orphanet 891, MedGen C1866176, MONDO:0011151, OMIM 601813.
Polycystic liver disease 4 with or without kidney cysts. Identifiers: MedGen C4693479, MONDO:0044327, OMIM 617875.
Bone mineral density quantitative trait locus 1 (BMND1). Identifiers: MedGen C1866079, OMIM 601884.

Submission:

Juno Genomics, Hangzhou Juno Genomics, Inc
Classification: Uncertain significance for Bone mineral density quantitative trait locus 1; Worth disease; Exudative vitreoretinopathy 4; Autosomal dominant osteopetrosis 1; Osteoporosis with pseudoglioma; Polycystic liver disease 4 with or without kidney cysts. Review status: criteria provided, single submitter. Criteria: ACMG Guidelines, 2015. Collection method: clinical testing. Allele origin: germline.
Comment: Absent from controls (or at extremely low frequency if recessive) in Genome Aggregation Database.;Multiple lines of computational evidence support a deleterious effect on the gene or gene product.;Missense variant in a gene that has a low rate of benign missense variation.

NM_002335.4(LRP5):c.895T>G (p.Cys299Gly)

Gene: LRP5 (LDL receptor related protein 5; plus strand). Cytogenetic location: 11q13.2.
Variant type: single nucleotide variant.
Coding change: c.895T>G on transcript NM_002335.4 (MANE Select); coding-DNA position 895, T replaced by G.
Protein change: p.Cys299Gly; replaces cysteine 299 with glycine.
Molecular consequence: missense variant. On other transcripts: 5 prime UTR variant (1).
Genome position (GRCh38, 1-based): chr11:68,365,582, T>G. VCF-style: chr11-68365582-T-G. GRCh37 (hg19) VCF-style: chr11-68133050-T-G.
Other names: c.-871T>G (NM_001291902.2); short protein forms C299G.
Identifiers: ClinVar variation 5019519 (VCV005019519.2).